The following is an entry in ClinVar:

ClinVar aggregate classification (germline): Pathogenic (0 of 4 stars; one submission).

Conditions:
Steinert myotonic dystrophy syndrome (DM1). Also called: STEINERT DISEASE; Myotonic dystrophy type 1; Dystrophia myotonica type 1; Steinert myotonic dystrophy; Steinert's disease. Identifiers: Orphanet 273, MedGen C3250443, MONDO:0008056, OMIM 160900.

Submission:

Institute of Molecular, Cell and Systems Biology, University of Glasgow
Classification: Pathogenic for Steinert myotonic dystrophy syndrome. Review status: no assertion criteria provided. Criteria: research. Collection method: research. Allele origin: germline. Inheritance: Autosomal dominant inheritance. Affected: no. Observed: 1 heterozygote.
Comment: DMPK CTG repeat expansions greater than approximately 45-50 repeats are assumed to be pathogenic

This record is based on data published in PubMed 25052313, which reports only ClinVar accessions SCV000120188 and SCV000120189. The complete data set includes SCV000207445 - SCV000207579.

Literature cited by the submitters: PubMed 1346923; PubMed 1546326; PubMed 25052313.

NM_004409.5(DMPK):c.*224CTG[82]

Genes: DM1-AS (DM1 locus antisense RNA; plus strand), DMPK (DM1 protein kinase; minus strand), LOC107075317 (origin of replication in DMPK trinucleotide repeat region; plus strand), LOC109461477 (dystrophia myotonica protein kinase repeat instability region; plus strand). Cytogenetic location: 19q13.32.
Variant type: Microsatellite.
Coding change: c.*224CTG[82] on transcript NM_004409.5 (MANE Select); 82 copies in a row of the 3-base unit CTG starting at c.*224.
Molecular consequence: 3 prime UTR variant.
Genome position: GRCh38, VCF-style position (the base before the change): chr19:45,770,204. GRCh37 (hg19), VCF-style position (the base before the change): chr19:46,273,462.
Other names: DM1 CTG repeat expansion; c.*224CTG[82] (NM_001081560.3, NM_001288764.2, NM_001424165.1 and 1 more transcripts); c.*217CTG[82] (NM_001081562.3, NM_001288765.2, NM_001424162.1 and 2 more transcripts); c.*222_*224TGC[82] (NM_001081563.3); c.*369CTG[82] (NM_001288766.2, NM_001424164.1, NM_001424168.1).
Identifiers: ClinVar variation 188034 (VCV000188034.2), ClinGen allele CA915951865.